The following is an entry in ClinVar:

ClinVar aggregate classification (germline): Uncertain significance (1 of 4 stars; one submission).

Conditions:
Combined immunodeficiency due to MALT1 deficiency. Also called: Immunodeficiency 12. Identifiers: Orphanet 397964, MedGen C3809583, MONDO:0014197, OMIM 615468.

Allele frequency attached by ClinVar (database versions not stated): gnomAD exomes 0.00001.

Submission:

Labcorp Genetics (formerly Invitae), Labcorp
Classification: Uncertain significance for Combined immunodeficiency due to MALT1 deficiency. Last evaluated: 2020-12-04. Review status: criteria provided, single submitter. Criteria: Invitae Variant Classification Sherloc (09022015). Collection method: clinical testing. Allele origin: germline.
Comment: This sequence change replaces glycine with aspartic acid at codon 100 of the MALT1 protein (p.Gly100Asp). The glycine residue is highly conserved and there is a moderate physicochemical difference between glycine and aspartic acid. This variant is not present in population databases (ExAC no frequency). This variant has not been reported in the literature in individuals with MALT1-related conditions. Algorithms developed to predict the effect of missense changes on protein structure and function (SIFT, PolyPhen-2, Align-GVGD) all suggest that this variant is likely to be disruptive, but these predictions have not been confirmed by published functional studies and their clinical significance is uncertain. In summary, the available evidence is currently insufficient to determine the role of this variant in disease. Therefore, it has been classified as a Variant of Uncertain Significance.

NM_006785.4(MALT1):c.299G>A (p.Gly100Asp)

Gene: MALT1 (MALT1 paracaspase; plus strand). Cytogenetic location: 18q21.32.
Variant type: single nucleotide variant.
Coding change: c.299G>A on transcript NM_006785.4 (MANE Select); coding-DNA position 299, G replaced by A.
Protein change: p.Gly100Asp; replaces glycine 100 with aspartic acid.
Molecular consequence: missense variant.
Genome position (GRCh38, 1-based): chr18:58,681,259, G>A. VCF-style: chr18-58681259-G-A. GRCh37 (hg19) VCF-style: chr18-56348491-G-A.
Other names: c.299G>A, p.Gly100Asp (NM_173844.3); short protein forms G100D.
Identifiers: ClinVar variation 1467195 (VCV001467195.7), dbSNP rs2144311117, ClinGen allele CA402572223.